The following is an entry in ClinVar:

ClinVar aggregate classification (germline): Uncertain significance (1 of 4 stars; one submission).

Conditions:
Amyloidosis, hereditary systemic 1 (AMYLD1). Also called: Familial amyloid polyneuropathy; Transthyretin Amyloidosis; Hereditary oculoleptomeningeal amyloid angiopathy; Familial Transthyretin Amyloidosis; AMYLOID CARDIOMYOPATHY; Hereditary Transthyretin Amyloidosis. Identifiers: Orphanet 85447, Orphanet 85451, MedGen C2751492, MONDO:0971004, OMIM 105210.

Allele frequency attached by ClinVar (database versions not stated): gnomAD exomes below 0.00001; gnomAD 0.00001; 1000 Genomes Project 30x 0.00016.
gnomAD v4.1: 2 of 1,614,122 alleles (0.00012%); highest among the groups gnomAD compares: African/African-American, 0.0013%; no homozygotes.

Submission:

Labcorp Genetics (formerly Invitae), Labcorp
Classification: Uncertain significance for Amyloidosis, hereditary systemic 1. Last evaluated: 2022-09-11. Review status: criteria provided, single submitter. Criteria: Invitae Variant Classification Sherloc (09022015). Collection method: clinical testing. Allele origin: germline.
Comment: Algorithms developed to predict the effect of sequence changes on RNA splicing suggest that this variant may disrupt the consensus splice site. ClinVar contains an entry for this variant (Variation ID: 644589). This variant has not been reported in the literature in individuals affected with TTR-related conditions. This variant is not present in population databases (gnomAD no frequency). In summary, the available evidence is currently insufficient to determine the role of this variant in disease. Therefore, it has been classified as a Variant of Uncertain Significance. This sequence change affects a donor splice site in intron 1 of the TTR gene. It is expected to disrupt RNA splicing. Variants that disrupt the donor or acceptor splice site typically lead to a loss of protein function (PMID: 16199547), however the current clinical and genetic evidence is not sufficient to establish whether loss-of-function variants in TTR cause disease.

Literature cited by the submitters: PubMed 16199547.

NM_000371.4(TTR):c.69+1G>A

Gene: TTR (transthyretin; plus strand). Cytogenetic location: 18q12.1.
Variant type: single nucleotide variant.
Coding change: c.69+1G>A on transcript NM_000371.4 (MANE Select); the canonical splice donor site of the intron after coding-DNA position 69, G replaced by A.
Molecular consequence: splice donor variant.
Genome position (GRCh38, 1-based): chr18:31,591,972, G>A. VCF-style: chr18-31591972-G-A. GRCh37 (hg19) VCF-style: chr18-29171935-G-A.
Identifiers: ClinVar variation 644589 (VCV000644589.9), dbSNP rs1598843674, ClinGen allele CA402156374.